The following continues an entry in ClinVar:

NM_000257.4(MYH7):c.1046T>C (p.Met349Thr)

Gene: MYH7. ClinVar aggregate classification (germline): Uncertain significance. Uncertain significance (1).

Submissions 5 to 10 of 10:

All of Us Research Program, National Institutes of Health
Classification: Uncertain significance for Cardiomyopathy. Last evaluated: 2024-02-22. Review status: criteria provided, single submitter. Criteria: ACMG Guidelines, 2015. Collection method: clinical testing. Allele origin: germline. Inheritance: Autosomal dominant inheritance. Observed: 4 variant alleles, 4 heterozygotes. Not counted in ClinVar's aggregate classification.
Comment: This missense variant replaces methionine with threonine at codon 349 of the MYH7 protein. Computational prediction is inconclusive regarding the impact of this variant on protein structure and function (internally defined REVEL score threshold 0.5 < inconclusive < 0.7, PMID: 27666373). To our knowledge, functional studies have not been reported for this variant. This variant has been reported in individuals affected with hypertrophic cardiomyopathy (PMID: 9544842, 18761664, 24793961, 32894683). In one family, this variant was reported in compound heterozygous state with another de novo pathogenic MYH7 variant in an individual affected with early-onset hypertrophic cardiomyopathy (PMID: 9544842, 18761664). 6 relatives of this individual were asymptomatic heterozygous carriers for this variant. This variant has been identified in 1/31328 chromosomes in the general population by the Genome Aggregation Database (gnomAD). The available evidence is insufficient to determine the role of this variant in disease conclusively. Therefore, this variant is classified as a Variant of Uncertain Significance.

This study involves interpretation of variants in research participants for the purpose of population health screening. Participant phenotype was not available at the time of variant classification. Additional details can be found in publication PMID: 35346344, PMCID: PMC8962531

Color Diagnostics, LLC DBA Color Health
Classification: Uncertain significance for Cardiomyopathy. Last evaluated: 2023-06-15. Review status: criteria provided, single submitter. Criteria: ACMG Guidelines, 2015. Collection method: clinical testing. Allele origin: germline. Not counted in ClinVar's aggregate classification.
Comment: This missense variant replaces methionine with threonine at codon 349 of the MYH7 protein. Computational prediction is inconclusive regarding the impact of this variant on protein structure and function (internally defined REVEL score threshold 0.5 < inconclusive < 0.7, PMID: 27666373). To our knowledge, functional studies have not been reported for this variant. This variant has been reported in individuals affected with hypertrophic cardiomyopathy (PMID: 9544842, 18761664, 24793961, 32894683). In one family, this variant was reported in compound heterozygous state with another de novo pathogenic MYH7 variant in an individual affected with early-onset hypertrophic cardiomyopathy (PMID: 9544842, 18761664). 6 relatives of this individual were asymptomatic heterozygous carriers for this variant. This variant has been identified in 1/31328 chromosomes in the general population by the Genome Aggregation Database (gnomAD). The available evidence is insufficient to determine the role of this variant in disease conclusively. Therefore, this variant is classified as a Variant of Uncertain Significance.

Fulgent Genetics
Classification: Uncertain significance for MYH7-related skeletal myopathy; Myosin storage myopathy; Hypertrophic cardiomyopathy 1; Myopathy, myosin storage, autosomal recessive; Congenital myopathy 4A, autosomal dominant; Dilated cardiomyopathy 1S. Last evaluated: 2022-02-15. Review status: criteria provided, single submitter. Criteria: ACMG Guidelines, 2015. Collection method: clinical testing. Allele origin: unknown. Not counted in ClinVar's aggregate classification.

GeneDx
Classification: Uncertain significance. Last evaluated: 2021-10-01. Review status: criteria provided, single submitter. Criteria: GeneDx Variant Classification Process June 2021. Collection method: clinical testing. Allele origin: germline. Affected: yes. Not counted in ClinVar's aggregate classification.
Comment: Reported previously in one individual with HCM who also harbored another de novo MYH7 variant on the opposite allele; he M349T variant was maternally inherited and was identified in several other relatives, all of whom were asymptomatic (Jeschke et al., 1998); Not observed at a significant frequency in large population cohorts (Lek et al., 2016); In silico analysis supports that this missense variant does not alter protein structure/function; Reported in ClinVar as a variant of uncertain significance (ClinVar Variant ID#14094; Landrum et al., 2016); This variant is associated with the following publications: (PMID: 27532257, 9544842, 10900182, 15737656, 18761664, 26272908, 21310275, 11968089)

Ambry Genetics
Classification: Uncertain significance for Cardiovascular phenotype. Last evaluated: 2019-12-03. Review status: criteria provided, single submitter. Criteria: Ambry Variant Classification Scheme 2023. Collection method: clinical testing. Allele origin: germline. Not counted in ClinVar's aggregate classification.

OMIM
Classification: Pathogenic for CARDIOMYOPATHY, FAMILIAL HYPERTROPHIC, 1. Last evaluated: 1998-03-01. Review status: no assertion criteria provided. Collection method: literature only. Allele origin: germline. Not counted in ClinVar's aggregate classification.

Literature cited by the submitters: PubMed 9544842 (cited by 4 submitters); PubMed 18761664 (cited by 3 submitters); PubMed 24793961 (cited by 3 submitters); PubMed 32894683 (cited by 3 submitters); PubMed 27532257 (cited by Labcorp Genetics (formerly Invitae), Labcorp).